The following is an entry in ClinVar:

ClinVar aggregate classification (germline): Uncertain significance (1 of 4 stars; one submission).

Allele frequency attached by ClinVar (database versions not stated): TOPMed below 0.00001; gnomAD exomes 0.00002.
gnomAD v4.1: 16 of 1,614,094 alleles (0.00099%); highest among the groups gnomAD compares: Non-Finnish European, 0.0014%; no homozygotes.

Submission:

GeneDx
Classification: Uncertain significance. Last evaluated: 2023-05-08. Review status: criteria provided, single submitter. Criteria: GeneDx Variant Classification Process June 2021. Collection method: clinical testing. Allele origin: germline. Affected: yes.
Comment: Not observed at significant frequency in large population cohorts (gnomAD); In silico analysis supports that this missense variant has a deleterious effect on protein structure/function; Has not been previously published as pathogenic or benign to our knowledge

NM_032590.5(KDM2B):c.3496G>A (p.Ala1166Thr)

Gene: KDM2B (lysine demethylase 2B; minus strand). Cytogenetic location: 12q24.31.
Variant type: single nucleotide variant.
Coding change: c.3496G>A on transcript NM_032590.5 (MANE Select); coding-DNA position 3496, G replaced by A.
Protein change: p.Ala1166Thr; replaces alanine 1166 with threonine.
Molecular consequence: missense variant.
Genome position (GRCh38, 1-based): chr12:121,440,930, C>T on the plus strand (G>A on the coding strand, the complement: KDM2B is on the minus strand). VCF-style: chr12-121440930-C-T. GRCh37 (hg19) VCF-style: chr12-121878733-C-T.
Other names: c.3289G>A, p.Ala1097Thr (NM_001005366.2); short protein forms A1097T, A1166T.
Identifiers: ClinVar variation 2501574 (VCV002501574.1), dbSNP rs1874908509, ClinGen allele CA386971979.